The following is an entry in ClinVar:

ClinVar aggregate classification (germline): Uncertain significance. Review status: criteria provided, multiple submitters, no conflicts (2 of 4 stars). 2 submissions from 2 submitters: Uncertain significance (2). Last evaluated 2024-10-22.

gnomAD v4.1: 1 of 1,607,794 alleles (0.000062%); highest among the groups gnomAD compares: Admixed American, 0.0017%; no homozygotes.

Submissions (2):

Labcorp Genetics (formerly Invitae), Labcorp
Classification: Uncertain significance. Last evaluated: 2024-10-22. Review status: criteria provided, single submitter. Criteria: Invitae Variant Classification Sherloc (09022015). Collection method: clinical testing. Allele origin: germline.
Comment: This sequence change replaces alanine, which is neutral and non-polar, with valine, which is neutral and non-polar, at codon 296 of the FZD2 protein (p.Ala296Val). This variant is present in population databases (no rsID available, gnomAD 0.003%). This variant has not been reported in the literature in individuals affected with FZD2-related conditions. Invitae Evidence Modeling of protein sequence and biophysical properties (such as structural, functional, and spatial information, amino acid conservation, physicochemical variation, residue mobility, and thermodynamic stability) indicates that this missense variant is not expected to disrupt FZD2 protein function with a negative predictive value of 80%. In summary, the available evidence is currently insufficient to determine the role of this variant in disease. Therefore, it has been classified as a Variant of Uncertain Significance.

Ambry Genetics
Classification: Uncertain significance. Last evaluated: 2024-07-16. Review status: criteria provided, single submitter. Criteria: Ambry Variant Classification Scheme 2023. Collection method: clinical testing. Allele origin: germline.

NM_001466.4(FZD2):c.887C>T (p.Ala296Val)

Gene: FZD2 (frizzled class receptor 2; plus strand). Cytogenetic location: 17q21.31.
Variant type: single nucleotide variant.
Coding change: c.887C>T on transcript NM_001466.4 (MANE Select); coding-DNA position 887, C replaced by T.
Protein change: p.Ala296Val; replaces alanine 296 with valine.
Molecular consequence: missense variant.
Genome position (GRCh38, 1-based): chr17:44,558,575, C>T. VCF-style: chr17-44558575-C-T. GRCh37 (hg19) VCF-style: chr17-42635943-C-T.
Other names: short protein forms A296V.
Identifiers: ClinVar variation 3517954 (VCV003517954.3).